The following is an entry in ClinVar:

ClinVar aggregate classification (germline): Uncertain significance (1 of 4 stars; one submission).

Conditions:
Dyskeratosis congenita, autosomal dominant 2. Identifiers: MedGen C3151443, MONDO:0013521, OMIM 613989.
Idiopathic Pulmonary Fibrosis. Also called: Idiopathic fibrosing alveolitis, chronic form; idiopathic fibrosing alveolitis. Identifiers: Orphanet 2032, MedGen C1800706, MeSH D054990, MONDO:0800504.

Submission:

Labcorp Genetics (formerly Invitae), Labcorp
Classification: Uncertain significance for Dyskeratosis congenita, autosomal dominant 2; Idiopathic Pulmonary Fibrosis. Last evaluated: 2024-11-19. Review status: criteria provided, single submitter. Criteria: Invitae Variant Classification Sherloc (09022015). Collection method: clinical testing. Allele origin: germline.
Comment: This sequence change replaces glycine, which is neutral and non-polar, with aspartic acid, which is acidic and polar, at codon 300 of the TERT protein (p.Gly300Asp). This variant is not present in population databases (gnomAD no frequency). This variant has not been reported in the literature in individuals affected with TERT-related conditions. ClinVar contains an entry for this variant (Variation ID: 2937435). Invitae Evidence Modeling of protein sequence and biophysical properties (such as structural, functional, and spatial information, amino acid conservation, physicochemical variation, residue mobility, and thermodynamic stability) indicates that this missense variant is expected to disrupt TERT protein function with a positive predictive value of 95%. In summary, the available evidence is currently insufficient to determine the role of this variant in disease. Therefore, it has been classified as a Variant of Uncertain Significance.

NM_198253.3(TERT):c.899G>A (p.Gly300Asp)

Gene: TERT (telomerase reverse transcriptase; minus strand). Cytogenetic location: 5p15.33.
Variant type: single nucleotide variant.
Coding change: c.899G>A on transcript NM_198253.3 (MANE Select); coding-DNA position 899, G replaced by A.
Protein change: p.Gly300Asp; replaces glycine 300 with aspartic acid.
Molecular consequence: missense variant. On other transcripts: non-coding transcript variant (2).
Genome position (GRCh38, 1-based): chr5:1,293,987, C>T on the plus strand (G>A on the coding strand, the complement: TERT is on the minus strand). VCF-style: chr5-1293987-C-T. GRCh37 (hg19) VCF-style: chr5-1294102-C-T.
Other names: c.899G>A, p.Gly300Asp (NM_001193376.3, NM_003219.1); short protein forms G300D.
Identifiers: ClinVar variation 2937435 (VCV002937435.3), dbSNP rs2126687089, ClinGen allele CA359056244.